The following is an entry in ClinVar:

NM_016373.4(WWOX):c.981G>C (p.Met327Ile)

Gene: WWOX (WW domain containing oxidoreductase; plus strand). Cytogenetic location: 16q23.1.
Variant type: single nucleotide variant.
Coding change: c.981G>C on transcript NM_016373.4 (MANE Select); coding-DNA position 981, G replaced by C.
Protein change: p.Met327Ile; replaces methionine 327 with isoleucine.
Molecular consequence: missense variant.
Genome position (GRCh38, 1-based): chr16:78,432,677, G>C. VCF-style: chr16-78432677-G-C. GRCh37 (hg19) VCF-style: chr16-78466574-G-C.
Other names: c.642G>C, p.Met214Ile (NM_001291997.2); short protein forms M214I, M327I.
Identifiers: ClinVar variation 1317426 (VCV001317426.2), dbSNP rs758307666, ClinGen allele CA396843388.

ClinVar aggregate classification (germline): Uncertain significance (1 of 4 stars; one submission).

Submission:

GeneDx
Classification: Uncertain significance. Last evaluated: 2020-12-14. Review status: criteria provided, single submitter. Criteria: GeneDx Variant Classification Process June 2021. Collection method: clinical testing. Allele origin: germline. Affected: yes.
Comment: Not observed in large population cohorts (Lek et al., 2016); In silico analysis supports that this missense variant does not alter protein structure/function; Has not been previously published as pathogenic or benign to our knowledge